The following is an entry in ClinVar:

NM_003482.4(KMT2D):c.6255C>A (p.Asn2085Lys)

Gene: KMT2D (lysine methyltransferase 2D; minus strand). Cytogenetic location: 12q13.12.
Variant type: single nucleotide variant.
Coding change: c.6255C>A on transcript NM_003482.4 (MANE Select); coding-DNA position 6255, C replaced by A.
Protein change: p.Asn2085Lys; replaces asparagine 2085 with lysine.
Molecular consequence: missense variant.
Genome position (GRCh38, 1-based): chr12:49,041,515, G>T on the plus strand (C>A on the coding strand, the complement: KMT2D is on the minus strand). VCF-style: chr12-49041515-G-T. GRCh37 (hg19) VCF-style: chr12-49435298-G-T.
Other names: short protein forms N2085K.
Identifiers: ClinVar variation 1181297 (VCV001181297.16), dbSNP rs200406127, ClinGen allele CA6547310.

ClinVar aggregate classification (germline): Likely benign. Review status: criteria provided, multiple submitters, no conflicts (2 of 4 stars). 4 submissions from 4 submitters: Likely benign (4). Last evaluated 2026-04-21.

Conditions:
Kabuki syndrome. Also called: NIIKAWA-KUROKI SYNDROME; Kabuki make-up syndrome. Identifiers: Orphanet 2322, MedGen C0796004, MONDO:0016512.
KMT2D-related disorder. Also called: KMT2D-Related Disorders.

Allele frequency attached by ClinVar (database versions not stated): gnomAD exomes 0.00001 and 0.00005; gnomAD 0.00004 and 0.00005; ExAC 0.00005; TOPMed 0.00005; 1000 Genomes Project 30x 0.00016; 1000 Genomes Project 0.00020.
gnomAD v4.1: 19 of 1,613,576 alleles (0.0012%); highest among the groups gnomAD compares: Admixed American, 0.032%; no homozygotes.

Submissions (4):

PreventionGenetics, part of Exact Sciences
Classification: Likely benign for KMT2D-related condition. Last evaluated: 2026-04-21. Review status: criteria provided, single submitter. Criteria: ACMG Guidelines, 2015. Collection method: clinical testing. Allele origin: germline.
Comment: This variant is classified as likely benign based on ACMG/AMP sequence variant interpretation guidelines (Richards et al. 2015 PMID: 25741868, with internal and published modifications).

CeGaT Center for Human Genetics Tuebingen
Classification: Likely benign. Last evaluated: 2026-02-01. Review status: criteria provided, single submitter. Criteria: CeGaT Center For Human Genetics Tuebingen Variant Classification Criteria Version 2. Collection method: clinical testing. Allele origin: germline. Affected: yes. Observed: 1 variant allele.
Comment: KMT2D: BS2

Labcorp Genetics (formerly Invitae), Labcorp
Classification: Likely benign for Kabuki syndrome. Last evaluated: 2025-11-25. Review status: criteria provided, single submitter. Criteria: Invitae Variant Classification Sherloc (09022015). Collection method: clinical testing. Allele origin: germline.

GeneDx
Classification: Likely benign. Last evaluated: 2021-01-09. Review status: criteria provided, single submitter. Criteria: GeneDx Variant Classification Process June 2021. Collection method: clinical testing. Allele origin: germline. Affected: yes.